The following is an entry in ClinVar:

ClinVar aggregate classification (germline): Pathogenic/Likely pathogenic. Review status: criteria provided, multiple submitters, no conflicts (2 of 4 stars). 3 submissions from 3 submitters: Pathogenic (1); Likely pathogenic (2). Last evaluated 2023-01-24.

Conditions:
Congenital sensorineural hearing impairment. Identifiers: MedGen C1865866, HP:0008527.
Autosomal recessive nonsyndromic hearing loss 3. Also called: NEUROSENSORY NONSYNDROMIC RECESSIVE DEAFNESS 3. Identifiers: Orphanet 90636, MedGen C1838263, MONDO:0010860, OMIM 600316.

Allele frequency attached by ClinVar (database versions not stated): gnomAD exomes 0.00001; ExAC 0.00002.
gnomAD v4.1: 7 of 1,614,044 alleles (0.00043%); highest among the groups gnomAD compares: Non-Finnish European, 0.00051%; no homozygotes.

Submissions (3):

GeneDx
Classification: Likely pathogenic. Last evaluated: 2023-01-24. Review status: criteria provided, single submitter. Criteria: GeneDx Variant Classification Process June 2021. Collection method: clinical testing. Allele origin: germline. Affected: yes.
Comment: Observed with a second MYO15A variant in a patient with profound congenital hearing loss in the published literature, but it is not known whether the variants occurred on the same (in cis) or on different (in trans) chromosomes (Baux et al., 2017); Nonsense variant predicted to result in protein truncation or nonsense mediated decay in a gene for which loss of function is a known mechanism of disease; Not observed at significant frequency in large population cohorts (gnomAD); This variant is associated with the following publications: (PMID: 31589614, 29196752)

Revvity Omics, Revvity
Classification: Pathogenic for Autosomal recessive nonsyndromic hearing loss 3. Last evaluated: 2019-12-26. Review status: criteria provided, single submitter. Criteria: ACMG Guidelines, 2015. Collection method: clinical testing. Allele origin: germline.

Centre for Mendelian Genomics, University Medical Centre Ljubljana
Classification: Likely pathogenic for Congenital sensorineural hearing impairment. Last evaluated: 2017-01-01. Review status: criteria provided, single submitter. Criteria: ACMG Guidelines, 2015. Collection method: clinical testing. Allele origin: unknown. Affected: yes.

NM_016239.4(MYO15A):c.8707C>T (p.Arg2903Ter)

Gene: MYO15A (myosin XVA; plus strand). Cytogenetic location: 17p11.2.
Variant type: single nucleotide variant.
Coding change: c.8707C>T on transcript NM_016239.4 (MANE Select); coding-DNA position 8707, C replaced by T.
Protein change: p.Arg2903Ter; replaces arginine 2903 with a stop codon.
Molecular consequence: nonsense.
Genome position (GRCh38, 1-based): chr17:18,157,059, C>T. VCF-style: chr17-18157059-C-T. GRCh37 (hg19) VCF-style: chr17-18060373-C-T.
Other names: short protein forms R2903*.
Identifiers: ClinVar variation 523517 (VCV000523517.7), dbSNP rs768257384, ClinGen allele CA8425228.